The following is an entry in ClinVar:

NM_002691.4(POLD1):c.3067+11del

Gene: POLD1 (DNA polymerase delta 1, catalytic subunit; plus strand). Cytogenetic location: 19q13.33.
Variant type: Deletion.
Coding change: c.3067+11del on transcript NM_002691.4 (MANE Select); 11 bases into the intron after coding-DNA position 3067, one base deleted (C; older notation c.3067+11delC).
Molecular consequence: intron variant.
Genome position (GRCh38, 1-based): chr19:50,416,734, C deleted; the last of 3 consecutive C bases (chr19:50,416,732-50,416,734); deleting any one gives the same sequence. VCF-style (leftmost placement, unchanged base first): chr19-50416731-GC-G. GRCh37 (hg19) VCF-style: chr19-50919988-GC-G.
Other names: c.3067+11del (LRG_785t1, NM_001256849.1); c.3145+11del (NM_001308632.1); c.3067+11delC (NM_001256849.1, NM_002691.3, NM_002691.4).
Identifiers: ClinVar variation 414753 (VCV000414753.7), dbSNP rs780881147, ClinGen allele CA9596735.

ClinVar aggregate classification (germline): Benign/Likely benign. Review status: criteria provided, multiple submitters, no conflicts (2 of 4 stars). 6 submissions from 6 submitters: Benign (1); Likely benign (4). 1 of the submissions does not count toward it. Last evaluated 2026-02-02.

Conditions:
POLD1-related polyposis and colorectal cancer syndrome (CRCS10). Also called: Colorectal cancer, susceptibility to, 10; Colorectal cancer 10; COLORECTAL CANCER, SUSCEPTIBILITY TO, ON CHROMOSOME 19q. Identifiers: Orphanet 220460, MedGen C2675481, MONDO:0012953, OMIM 612591.

Submissions (6):

Labcorp Genetics (formerly Invitae), Labcorp
Classification: Benign for POLD1-related polyposis and colorectal cancer syndrome. Last evaluated: 2026-02-02. Review status: criteria provided, single submitter. Criteria: Invitae Variant Classification Sherloc (09022015). Collection method: clinical testing. Allele origin: germline.

Women's Health and Genetics/Laboratory Corporation of America, LabCorp
Classification: Likely benign. Last evaluated: 2026-01-23. Review status: criteria provided, single submitter. Criteria: LabCorp Variant Classification Summary - May 2015. Collection method: clinical testing. Allele origin: germline.

Blueprint Genetics
Classification: Likely benign. Last evaluated: 2024-09-12. Review status: criteria provided, single submitter. Criteria: ACMG Guidelines, 2015. Collection method: clinical testing. Allele origin: germline.

Mendelics
Classification: Likely benign for POLD1-related polyposis and colorectal cancer syndrome. Last evaluated: 2019-05-28. Review status: criteria provided, single submitter. Criteria: Mendelics Assertion Criteria 2017. Collection method: clinical testing. Allele origin: unknown.

GeneDx
Classification: Likely benign. Last evaluated: 2017-07-21. Review status: criteria provided, single submitter. Criteria: GeneDx Variant Classification (06012015). Collection method: clinical testing. Allele origin: germline. Affected: yes.
Comment: This variant is considered likely benign or benign based on one or more of the following criteria: it is a conservative change, it occurs at a poorly conserved position in the protein, it is predicted to be benign by multiple in silico algorithms, and/or has population frequency not consistent with disease.

Counsyl
Classification: Likely benign for POLD1-related polyposis and colorectal cancer syndrome. Last evaluated: 2017-02-06. Review status: no assertion criteria provided. Collection method: clinical testing. Allele origin: unknown. Not counted in ClinVar's aggregate classification.